The following is an entry in ClinVar:

NM_001355436.2(SPTB):c.2239C>T (p.Gln747Ter)

Gene: SPTB (spectrin beta, erythrocytic; minus strand). Cytogenetic location: 14q23.3.
Variant type: single nucleotide variant.
Coding change: c.2239C>T on transcript NM_001355436.2 (MANE Select); coding-DNA position 2239, C replaced by T.
Protein change: p.Gln747Ter; replaces glutamine 747 with a stop codon.
Molecular consequence: nonsense.
Genome position (GRCh38, 1-based): chr14:64,793,424, G>A on the plus strand (C>T on the coding strand, the complement: SPTB is on the minus strand). VCF-style: chr14-64793424-G-A. GRCh37 (hg19) VCF-style: chr14-65260142-G-A.
Other names: c.2239C>T, p.Gln747Ter (NM_001024858.4, NM_001355437.2); short protein forms Q747*.
Identifiers: ClinVar variation 1708275 (VCV001708275.5), dbSNP rs2503159407, ClinGen allele CA390018459.
Genomic context (GRCh38, chr14:64,793,424, plus strand): 5'-AGAGCAGCCGGTGGGCGTCTTGCAGCCAAGCCTTCAGGTCATCCGCATCGCCCTGGAACT[G>A]GAAAAAGTTCTCAGCATCCTGGAGGTTCTTCTTGCAGAAGGCAGCCAGGTCCTTCAGCTG-3'

ClinVar aggregate classification (germline): Pathogenic. Review status: criteria provided, multiple submitters, no conflicts (2 of 4 stars). 2 submissions from 2 submitters: Pathogenic (2). Last evaluated 2023-01-14.

Submissions (2):

Labcorp Genetics (formerly Invitae), Labcorp
Classification: Pathogenic. Last evaluated: 2023-01-14. Review status: criteria provided, single submitter. Criteria: Invitae Variant Classification Sherloc (09022015). Collection method: clinical testing. Allele origin: germline.
Comment: This sequence change creates a premature translational stop signal (p.Gln747*) in the SPTB gene. It is expected to result in an absent or disrupted protein product. Loss-of-function variants in SPTB are known to be pathogenic (PMID: 1391962, 1498324, 8844207, 26830532, 27292444). This variant is not present in population databases (gnomAD no frequency). This variant has not been reported in the literature in individuals affected with SPTB-related conditions. ClinVar contains an entry for this variant (Variation ID: 1708275). For these reasons, this variant has been classified as Pathogenic.

Centre of Medical Genetics, University Hospital Muenster
Classification: Pathogenic. Last evaluated: 2021-12-15. Review status: criteria provided, single submitter. Criteria: ACMG Guidelines, 2015. Collection method: clinical testing. Allele origin: unknown. Affected: yes. Observed: 1 variant allele, 1 heterozygote.
Comment: ACMG categories: PVS1,PM2,PP3

Literature cited by the submitters: PubMed 1391962 (cited by Labcorp Genetics (formerly Invitae), Labcorp); PubMed 1498324 (cited by Labcorp Genetics (formerly Invitae), Labcorp); PubMed 8844207 (cited by Labcorp Genetics (formerly Invitae), Labcorp); PubMed 26830532 (cited by Labcorp Genetics (formerly Invitae), Labcorp); PubMed 27292444 (cited by Labcorp Genetics (formerly Invitae), Labcorp).